The following is an entry in ClinVar:

ClinVar aggregate classification (germline): Uncertain significance (1 of 4 stars; one submission).

Conditions:
Myopathy, proximal, and ophthalmoplegia (CMYO6). Also called: MYOPATHY WITH CONGENITAL JOINT CONTRACTURES, OPHTHALMOPLEGIA, AND RIMMED VACUOLES; CONGENITAL MYOPATHY 6 WITH OPHTHALMOPLEGIA; INCLUSION BODY MYOPATHY 3, AUTOSOMAL DOMINANT. Identifiers: Orphanet 363677, Orphanet 79091, MedGen C1854106, MONDO:0011577, OMIM 605637.

Submission:

Labcorp Genetics (formerly Invitae), Labcorp
Classification: Uncertain significance for Myopathy, proximal, and ophthalmoplegia. Last evaluated: 2026-01-07. Review status: criteria provided, single submitter. Criteria: Invitae Variant Classification Sherloc (09022015). Collection method: clinical testing. Allele origin: germline.
Comment: This sequence change replaces serine, which is neutral and polar, with phenylalanine, which is neutral and non-polar, at codon 20 of the MYH2 protein (p.Ser20Phe). This variant is not present in population databases (gnomAD no frequency). This variant has not been reported in the literature in individuals affected with MYH2-related conditions. An algorithm developed to predict the effect of missense changes on protein structure and function (PolyPhen-2) suggests that this variant is likely to be disruptive. In summary, the available evidence is currently insufficient to determine the role of this variant in disease. Therefore, it has been classified as a Variant of Uncertain Significance.

NM_017534.6(MYH2):c.59C>T (p.Ser20Phe)

Genes: MYHAS (myosin heavy chain gene cluster antisense RNA; plus strand), MYH2 (myosin heavy chain 2; minus strand). Cytogenetic location: 17p13.1.
Variant type: single nucleotide variant.
Coding change: c.59C>T on transcript NM_017534.6 (MANE Select); coding-DNA position 59, C replaced by T.
Protein change: p.Ser20Phe; replaces serine 20 with phenylalanine.
Molecular consequence: missense variant.
Genome position (GRCh38, 1-based): chr17:10,547,862, G>A on the plus strand (C>T on the coding strand, the complement: MYH2 is on the minus strand). VCF-style: chr17-10547862-G-A. GRCh37 (hg19) VCF-style: chr17-10451179-G-A.
Other names: c.59C>T, p.Ser20Phe (NM_001100112.2); short protein forms S20F.
Identifiers: ClinVar variation 4767254 (VCV004767254.1).